The following is an entry in ClinVar:

NM_001127649.3(PEX26):c.*10C>T

Gene: PEX26 (peroxisomal biogenesis factor 26; plus strand). Cytogenetic location: 22q11.21.
Variant type: single nucleotide variant.
Coding change: c.*10C>T on transcript NM_001127649.3 (MANE Select); 10 bases downstream of the stop codon, C replaced by T.
Molecular consequence: 3 prime UTR variant.
Genome position (GRCh38, 1-based): chr22:18,088,085, C>T. VCF-style: chr22-18088085-C-T. GRCh37 (hg19) VCF-style: chr22-18570851-C-T.
Other names: c.*10C>T (NM_001199319.2, NM_017929.6).
Identifiers: ClinVar variation 167457 (VCV000167457.14), dbSNP rs117472525, ClinGen allele CA180290.
Genomic context (GRCh38, chr22:18,088,085, plus strand): 5'-ATCCGGAAGGCTGCATTTTCTCGCCTCTACCAGCTCCGCATCCGTGACTGAGGGTCCCTG[C>T]GCACCACAGCCTCTCTGCTCCTCACGTCCGTGGCCACAGAAGCAGAGCGACAGAGCGACA-3'

ClinVar aggregate classification (germline): Benign. Review status: criteria provided, multiple submitters, no conflicts (2 of 4 stars). 7 submissions from 7 submitters: Benign (6). 1 of the submissions does not count toward it. Last evaluated 2019-10-13.

Conditions:
Peroxisome biogenesis disorder 7A (Zellweger). Also called: Peroxisome biogenesis disorder 7A. Identifiers: Orphanet 912, MedGen C3888385, MONDO:0013938, OMIM 614872.

Allele frequency attached by ClinVar (database versions not stated): ESP Exome Variant Server 0.00146; gnomAD 0.01244 and 0.01369; TOPMed 0.01687; ExAC 0.02716; 1000 Genomes Project 0.03355; gnomAD exomes 0.03494; 1000 Genomes Project 30x 0.03560.
gnomAD v4.1: 14,322 of 1,547,536 alleles (0.93%); highest among the groups gnomAD compares: Admixed American, 17%; 1,241 homozygotes.

Submissions (7):

GeneDx
Classification: Benign. Last evaluated: 2019-10-13. Review status: criteria provided, single submitter. Criteria: GeneDx Variant Classification Process June 2021. Collection method: clinical testing. Allele origin: germline. Affected: yes.

Illumina Laboratory Services, Illumina
Classification: Benign for Peroxisome biogenesis disorder 7A (Zellweger). Last evaluated: 2018-01-12. Review status: criteria provided, single submitter. Criteria: ICSL Variant Classification Criteria 13 December 2019. Collection method: clinical testing. Allele origin: germline.
Comment: This variant was observed in the ICSL laboratory as part of a predisposition screen in an ostensibly healthy population. It had not been previously curated by ICSL or reported in the Human Gene Mutation Database (HGMD: prior to June 1st, 2018), and was therefore a candidate for classification through an automated scoring system. Utilizing variant allele frequency, disease prevalence and penetrance estimates, and inheritance mode, an automated score was calculated to assess if this variant is too frequent to cause the disease. Based on the score and internal cut-off values, a variant classified as benign is not then subjected to further curation. The score for this variant resulted in a classification of benign for this disease.

Women's Health and Genetics/Laboratory Corporation of America, LabCorp
Classification: Benign. Last evaluated: 2017-02-08. Review status: criteria provided, single submitter. Criteria: LabCorp Variant Classification Summary - May 2015. Collection method: clinical testing. Allele origin: germline.
Comment: Variant summary: The PEX26 c.*10C>T variant involves the alteration of a non-conserved nucleotide located in the 3' UTR. One in silico tool predicts a benign outcome for this variant. The variant of interest was found in the large, broad control population, ExAC, with an allele frequency of 3291/121166 (358 homozygotes, 1/36), which is approximately 17 times the estimated maximal expected allele frequency of a pathogenic PEX26 variant of 1/632, suggesting this variant is likely a benign polymorphism. In addition, multiple clinical diagnostic laboratories have cited the variant as "likely benign/benign." Therefore, the variant of interest has been classified as Benign.

Eurofins Ntd Llc (ga)
Classification: Benign. Last evaluated: 2014-01-06. Review status: criteria provided, single submitter. Criteria: EGL Classification Definitions 2015. Collection method: clinical testing. Allele origin: germline. Observed: 3 variant alleles, 2 heterozygotes, 1 homozygote.

Breakthrough Genomics
Classification: Benign. Review status: criteria provided, single submitter. Criteria: ACMG Guidelines, 2015. Collection method: not provided. Allele origin: germline. Inheritance: Autosomal recessive inheritance. Affected: yes.

PreventionGenetics, part of Exact Sciences
Classification: Benign. Review status: criteria provided, single submitter. Criteria: ACMG Guidelines, 2015. Collection method: clinical testing. Allele origin: germline.

Mayo Clinic Laboratories, Mayo Clinic
Classification: Uncertain significance. Last evaluated: 2015-12-15. Review status: no assertion criteria provided. Collection method: clinical testing. Allele origin: unknown. Not counted in ClinVar's aggregate classification.